The following is an entry in ClinVar:

NM_000548.5(TSC2):c.3448del (p.Leu1150fs)

Gene: TSC2 (TSC complex subunit 2; plus strand). Cytogenetic location: 16p13.3.
Variant type: Deletion.
Coding change: c.3448del on transcript NM_000548.5 (MANE Select); coding-DNA position 3448, one base deleted (C; older notation c.3448delC).
Protein change: p.Leu1150fs; shifts the reading frame from leucine 1150.
Molecular consequence: frameshift variant.
Genome position (GRCh38, 1-based): chr16:2,080,215, C deleted; the last of 2 consecutive C bases (chr16:2,080,214-2,080,215); deleting either gives the same sequence. VCF-style (leftmost placement, unchanged base first): chr16-2080213-TC-T. GRCh37 (hg19) VCF-style: chr16-2130214-TC-T.
Other names: c.3316del, p.Leu1106fs (NM_001077183.3, NM_001370404.1); c.3448del, p.Leu1150fs (NM_001114382.3); c.3208del, p.Leu1070fs (NM_001318827.2); c.3172del, p.Leu1058fs (NM_001318829.2); c.2716del, p.Leu906fs (NM_001318831.2); c.3349del, p.Leu1117fs (NM_001318832.2); c.3319del, p.Leu1107fs (NM_001363528.2, NM_001370405.1, NM_021055.3); short protein forms L1107fs, L1117fs, L1150fs, L1058fs, L1070fs, L906fs, L1106fs.
Identifiers: ClinVar variation 586855 (VCV000586855.2), dbSNP rs1555511352, ClinGen allele CA891843879.

ClinVar aggregate classification (germline): Pathogenic. Review status: criteria provided, multiple submitters, no conflicts (2 of 4 stars). 2 submissions from 2 submitters: Pathogenic (2). Last evaluated 2024-03-06.

Conditions:
Tuberous sclerosis syndrome (TSC). Also called: Tuberous Sclerosis Complex; Tuberous sclerosis. Identifiers: Orphanet 805, MedGen C0041341, MONDO:0001734.

Submissions (2):

Cambridge Genomics Laboratory, East Genomic Laboratory Hub, NHS Genomic Medicine Service
Classification: Pathogenic for Tuberous sclerosis. Last evaluated: 2024-03-06. Review status: criteria provided, single submitter. Criteria: ACGS Best Practice Guidelines for Variant Classification in Rare Disease 2020. Collection method: clinical testing. Allele origin: germline. Affected: yes.
Comment: PVS1,PM2

Athena Diagnostics
Classification: Pathogenic. Last evaluated: 2018-06-30. Review status: criteria provided, single submitter. Criteria: Athena Diagnostics Criteria. Collection method: clinical testing. Allele origin: germline.